The following is an entry in ClinVar:

ClinVar aggregate classification (germline): Uncertain significance (1 of 4 stars; one submission).

Conditions:
Werner syndrome (WRN). Identifiers: Orphanet 902, MedGen C0043119, MONDO:0010196, OMIM 277700.

Allele frequency attached by ClinVar (database versions not stated): gnomAD 0.00001.
gnomAD v4.1: 1 of 1,613,980 alleles (0.000062%); highest among the groups gnomAD compares: African/African-American, 0.0013%; no homozygotes.

Submission:

Labcorp Genetics (formerly Invitae), Labcorp
Classification: Uncertain significance for Werner syndrome. Last evaluated: 2024-08-04. Review status: criteria provided, single submitter. Criteria: Invitae Variant Classification Sherloc (09022015). Collection method: clinical testing. Allele origin: germline.
Comment: This sequence change falls in intron 24 of the WRN gene. It does not directly change the encoded amino acid sequence of the WRN protein. It affects a nucleotide within the consensus splice site. This variant is present in population databases (no rsID available, gnomAD 0.01%). This variant has not been reported in the literature in individuals affected with WRN-related conditions. Variants that disrupt the consensus splice site are a relatively common cause of aberrant splicing (PMID: 17576681, 9536098). Algorithms developed to predict the effect of sequence changes on RNA splicing suggest that this variant may disrupt the consensus splice site. In summary, the available evidence is currently insufficient to determine the role of this variant in disease. Therefore, it has been classified as a Variant of Uncertain Significance.

Literature cited by the submitters: PubMed 17576681; PubMed 9536098.

NM_000553.6(WRN):c.2967+5G>A

Gene: WRN (WRN RecQ like helicase; plus strand). Cytogenetic location: 8p12.
Variant type: single nucleotide variant.
Coding change: c.2967+5G>A on transcript NM_000553.6 (MANE Select); 5 bases into the intron after coding-DNA position 2967, G replaced by A.
Molecular consequence: intron variant.
Genome position (GRCh38, 1-based): chr8:31,132,511, G>A. VCF-style: chr8-31132511-G-A. GRCh37 (hg19) VCF-style: chr8-30990027-G-A.
Identifiers: ClinVar variation 2727656 (VCV002727656.3), dbSNP rs1187781218, ClinGen allele CA580989470.